The following is an entry in ClinVar:

ClinVar aggregate classification (germline): Uncertain significance (1 of 4 stars; one submission).

Submission:

GeneDx
Classification: Uncertain significance. Last evaluated: 2023-04-12. Review status: criteria provided, single submitter. Criteria: GeneDx Variant Classification Process June 2021. Collection method: clinical testing. Allele origin: germline. Affected: yes.
Comment: Not observed at significant frequency in large population cohorts (gnomAD); In silico analysis supports that this missense variant has a deleterious effect on protein structure/function; In silico analysis is inconclusive as to whether the variant alters gene splicing. In the absence of RNA/functional studies, the actual effect of this sequence change is unknown.; Has not been previously published as pathogenic or benign to our knowledge

NM_001080517.3(SETD5):c.1565T>G (p.Phe522Cys)

Gene: SETD5 (SET domain containing 5; plus strand). Cytogenetic location: 3p25.3.
Variant type: single nucleotide variant.
Coding change: c.1565T>G on transcript NM_001080517.3 (MANE Select); coding-DNA position 1565, T replaced by G.
Protein change: p.Phe522Cys; replaces phenylalanine 522 with cysteine.
Molecular consequence: missense variant.
Genome position (GRCh38, 1-based): chr3:9,447,090, T>G. VCF-style: chr3-9447090-T-G. GRCh37 (hg19) VCF-style: chr3-9488774-T-G.
Other names: c.1271T>G, p.Phe424Cys (NM_001292043.2, NM_001349451.2); short protein forms F424C, F522C.
Identifiers: ClinVar variation 3343082 (VCV003343082.1).